The following is an entry in ClinVar:

NM_001009944.3(PKD1):c.11944C>T (p.Gln3982Ter)

Gene: PKD1 (polycystin 1, transient receptor potential channel interacting; minus strand). Cytogenetic location: 16p13.3.
Variant type: single nucleotide variant.
Coding change: c.11944C>T on transcript NM_001009944.3 (MANE Select); coding-DNA position 11944, C replaced by T.
Protein change: p.Gln3982Ter; replaces glutamine 3982 with a stop codon.
Molecular consequence: nonsense.
Genome position (GRCh38, 1-based): chr16:2,090,943, G>A on the plus strand (C>T on the coding strand, the complement: PKD1 is on the minus strand). VCF-style: chr16-2090943-G-A. GRCh37 (hg19) VCF-style: chr16-2140944-G-A.
Other names: c.11941C>T, p.Gln3981Ter (NM_000296.4); short protein forms Q3981*, Q3982*.
Identifiers: ClinVar variation 447959 (VCV000447959.19), dbSNP rs1161012209, ClinGen allele CA394328913.

ClinVar aggregate classification (germline): Pathogenic. Review status: criteria provided, multiple submitters, no conflicts (2 of 4 stars). 12 submissions from 12 submitters: Pathogenic (12). Last evaluated 2026-11-13.

Conditions:
PKD1-related disorder. Also called: PKD1-related condition.
Polycystic kidney disease, adult type (PKD1). Also called: POLYCYSTIC KIDNEY DISEASE 1 WITH OR WITHOUT POLYCYSTIC LIVER DISEASE; POLYCYSTIC KIDNEY DISEASE, ADULT, TYPE I; Polycystic Kidney Disease 1, Autosomal Dominant; Polycystic kidney disease 1; Polycystic kidney disease 1, severe; Polycystic Kidney, Autosomal Dominant. Identifiers: MedGen C3149841, MONDO:0008263, OMIM 173900.

Submissions (12):

Clinical Genetics Laboratory, Skane University Hospital Lund
Classification: Pathogenic for Polycystic kidney disease, adult type. Last evaluated: 2026-11-13. Review status: criteria provided, single submitter. Criteria: ACMG Guidelines, 2015. Collection method: clinical testing. Allele origin: germline. Affected: yes. Observed: 1 variant allele.
Comment: PKD1 (NM_001009944.3) c.11944C>T p.(Gln3982*) involves a nucleotide substitution in exon 43 of 46, which leads to a premature stop codon, resulting in either a truncated protein or a loss of protein expression from the affected allele. PKD1 c.11944C>T has not been observed in the general population, is classified as pathogenic in the ClinVar database (Accession: VCV000447959.18) and has been previously described in the literature (e.g., PMID 29633482, 34906515, 37509056, and 33168999). In cases of polycystic kidney disease (OMIM # 173900), the probability that a variant identified in the PKD1 gene is causative is estimated at 94%, provided that other known disease-associated genes included in the current analysis have been excluded (see GeneReviews PMID: 20301424, and PMID: 38103548 for evidence grading). The variant has been classified as pathogenic based on the following ACMG criteria: PVS1, PS4, PM2, PP1, and PP4_Strong.

CeGaT Center for Human Genetics Tuebingen
Classification: Pathogenic. Last evaluated: 2026-03-01. Review status: criteria provided, single submitter. Criteria: CeGaT Center For Human Genetics Tuebingen Variant Classification Criteria Version 2. Collection method: clinical testing. Allele origin: germline. Affected: yes. Observed: 1 variant allele.
Comment: PKD1: PVS1, PS4, PM2

Medical and Scientific Branch, Hong Kong Genome Institute
Classification: Pathogenic for Polycystic kidney disease, adult type. Last evaluated: 2026-01-26. Review status: criteria provided, single submitter. Criteria: ACMG Guidelines, 2015. Collection method: clinical testing. Allele origin: maternal. Affected: yes.

PreventionGenetics, part of Exact Sciences
Classification: Pathogenic for PKD1-related condition. Last evaluated: 2025-11-25. Review status: criteria provided, single submitter. Criteria: ACMG Guidelines, 2015. Collection method: clinical testing. Allele origin: germline.
Comment: The PKD1 c.11944C>T variant is predicted to result in premature protein termination (p.Gln3982*). This variant has been reported in individuals with polycystic kidney disease (PKD) (see for example, Table 1A, Rossetti et al. 2007. PubMed ID: 17582161; Durkie et al. 2020. PubMed ID: 33168999). This variant has not been reported in a large population database (gnomAD), indicating this variant is rare. Nonsense variants in PKD1 are expected to be pathogenic. This variant is interpreted as pathogenic.

Clinical Genetics Laboratory, University Hospital Schleswig-Holstein
Classification: Pathogenic for Polycystic kidney disease, adult type. Last evaluated: 2025-06-24. Review status: criteria provided, single submitter. Criteria: ACMG Guidelines, 2015. Collection method: clinical testing. Allele origin: germline. Affected: yes. Observed: 1 heterozygote.
Comment: ACMG criteria applied: PM2, PS4, PVS1, PP1_Strong, PP4

Department of Pathology and Laboratory Medicine, Sinai Health System
Classification: Pathogenic for Polycystic kidney disease, adult type. Last evaluated: 2024-11-20. Review status: criteria provided, single submitter. Criteria: ACMG Guidelines, 2015. Collection method: clinical testing. Allele origin: germline.

Dubai Health Genomic Medicine Center, Dubai Health
Classification: Pathogenic for Polycystic kidney disease 1. Last evaluated: 2024-10-04. Review status: criteria provided, single submitter. Criteria: ACMG Guidelines, 2015. Collection method: research. Allele origin: germline. Affected: yes.
Comment: PVS1,PS4,PM2

3billion
Classification: Pathogenic for Polycystic kidney disease, adult type. Last evaluated: 2024-07-05. Review status: criteria provided, single submitter. Criteria: ACMG Guidelines, 2015. Collection method: clinical testing. Allele origin: germline. Affected: yes.
Comment: The variant is not observed in the gnomAD v4.0.0 dataset. Predicted Consequence/Location: Stop-gained (nonsense): predicted to result in a loss or disruption of normal protein function through nonsense-mediated decay (NMD) or protein truncation. Multiple pathogenic variants are reported downstream of the variant. The variant has been reported at least twice as pathogenic with clinical assertions and evidence for the classification (ClinVar ID: VCV000447959 /PMID: 17582161). Therefore, this variant is classified as Pathogenic according to the recommendation of ACMG/AMP guideline.

Fulgent Genetics
Classification: Pathogenic for Polycystic kidney disease, adult type. Last evaluated: 2024-05-07. Review status: criteria provided, single submitter. Criteria: ACMG Guidelines, 2015. Collection method: clinical testing. Allele origin: germline.

GeneDx
Classification: Pathogenic. Last evaluated: 2023-09-27. Review status: criteria provided, single submitter. Criteria: GeneDx Variant Classification Process June 2021. Collection method: clinical testing. Allele origin: germline. Affected: yes.
Comment: Nonsense variant predicted to result in protein truncation or nonsense mediated decay in a gene for which loss-of-function is a known mechanism of disease; Not observed at significant frequency in large population cohorts (gnomAD); This variant is associated with the following publications: (PMID: 29633482, 26632257, 31056860, 17582161, 25525159, Priya2022[preprint], 33168999)

Athena Diagnostics
Classification: Pathogenic. Last evaluated: 2015-02-06. Review status: criteria provided, single submitter. Criteria: Athena Diagnostics Criteria. Collection method: clinical testing. Allele origin: germline.

Juno Genomics, Hangzhou Juno Genomics, Inc
Classification: Pathogenic for Polycystic kidney disease, adult type. Review status: criteria provided, single submitter. Criteria: ACMG Guidelines, 2015. Collection method: clinical testing. Allele origin: germline. Affected: yes.
Comment: Absent from controls (or at extremely low frequency if recessive) in Genome Aggregation Database, Exome Sequencing Project, 1000 Genomes Project, or Exome Aggregation Consortium.;Null variant in a gene where loss of function (LOF) is a known mechanism of disease.;The prevalence of the variant in affected individuals is significantly increased compared to the prevalence in controls.;Assumed de novo, but without confirmation of paternity and maternity.;Patient's phenotype or family history is highly specific for a disease with a single genetic etiology.

Literature cited by the submitters: PubMed 17582161 (cited by 3 submitters).